The following is an entry in ClinVar:

NC_000006.12:g.(?_65384386)_(65495410_?)dup

Gene: EYS (eyes shut homolog; minus strand). Cytogenetic location: 6q12.
Variant type: Duplication.
Identifiers: ClinVar variation 832154 (VCV000832154.7).

ClinVar aggregate classification (germline): Uncertain significance (1 of 4 stars; one submission).

Submission:

Labcorp Genetics (formerly Invitae), Labcorp
Classification: Uncertain significance. Last evaluated: 2020-02-22. Review status: criteria provided, single submitter. Criteria: Invitae Variant Classification Sherloc (09022015). Collection method: clinical testing. Allele origin: germline.
Comment: In summary, the available evidence is currently insufficient to determine the role of this variant in disease. Therefore, it has been classified as a Variant of Uncertain Significance. This variant results in a copy number gain of the genomic region encompassing exons 4-8 of the EYS gene, which includes the initiator codon. The 5' end of this event is unknown as it extends beyond the assayed region for this gene and therefore may encompass additional genes. The 3' boundary is likely confined to intron 8 of the EYS gene. As the precise location of this event is unknown, it may be in tandem or it may be located elsewhere in the genome.